The following is an entry in ClinVar:

NM_144573.4(NEXN):c.1028C>T (p.Ala343Val)

Gene: NEXN (nexilin F-actin binding protein; plus strand). Cytogenetic location: 1p31.1.
Variant type: single nucleotide variant.
Coding change: c.1028C>T on transcript NM_144573.4 (MANE Select); coding-DNA position 1028, C replaced by T.
Protein change: p.Ala343Val; replaces alanine 343 with valine.
Molecular consequence: missense variant.
Genome position (GRCh38, 1-based): chr1:77,929,479, C>T. VCF-style: chr1-77929479-C-T. GRCh37 (hg19) VCF-style: chr1-78395164-C-T.
Other names: p.A343V:GCG>GTG; c.836C>T, p.Ala279Val (NM_001172309.2); short protein forms A343V, A279V.
Identifiers: ClinVar variation 201921 (VCV000201921.5), dbSNP rs769073940, ClinGen allele CA335403.
Genomic context (GRCh38, chr1:77,929,479, plus strand): 5'-AAGATGAAAAAAGGAAAGCAGAAGAAGAAGCCAGAAGGAGAATAGAGGAAGAAAAGAAGG[C>T]GTTTGCTGAAGCAAGGAGAAATATGGTAAGACAGAAGCTAACTGGAGAATGCTATTAGAA-3'
Protein context (NP_653174.3, residues 333-353): ARRRIEEEKK[Ala343Val]FAEARRNMVV

ClinVar aggregate classification (germline): Uncertain significance. Review status: criteria provided, multiple submitters, no conflicts (2 of 4 stars). 3 submissions from 3 submitters: Uncertain significance (3). Last evaluated 2025-12-19.

Conditions:
Cardiovascular phenotype. Identifiers: MedGen CN230736.
Hypertrophic cardiomyopathy 20. Identifiers: MedGen C3151267, MONDO:0013477, OMIM 613876.
Dilated cardiomyopathy 1CC (CMD1CC). Identifiers: Orphanet 154, MedGen C2751084, MONDO:0013147, OMIM 613122.

Allele frequency attached by ClinVar (database versions not stated): gnomAD below 0.00001 and 0.00001; TOPMed 0.00002; ExAC 0.00017; gnomAD exomes 0.00018.
gnomAD v4.1: 151 of 1,612,556 alleles (0.0094%); highest among the groups gnomAD compares: South Asian, 0.15%; 2 homozygotes.

Submissions (3):

Labcorp Genetics (formerly Invitae), Labcorp
Classification: Uncertain significance for Dilated cardiomyopathy 1CC; Hypertrophic cardiomyopathy 20. Last evaluated: 2025-12-19. Review status: criteria provided, single submitter. Criteria: Invitae Variant Classification Sherloc (09022015). Collection method: clinical testing. Allele origin: germline.
Comment: This sequence change replaces alanine, which is neutral and non-polar, with valine, which is neutral and non-polar, at codon 343 of the NEXN protein (p.Ala343Val). This variant is present in population databases (rs769073940, gnomAD 0.1%). This variant has not been reported in the literature in individuals affected with NEXN-related conditions. ClinVar contains an entry for this variant (Variation ID: 201921). Invitae Evidence Modeling of protein sequence and biophysical properties (such as structural, functional, and spatial information, amino acid conservation, physicochemical variation, residue mobility, and thermodynamic stability) indicates that this missense variant is not expected to disrupt NEXN protein function with a negative predictive value of 80%. In summary, the available evidence is currently insufficient to determine the role of this variant in disease. Therefore, it has been classified as a Variant of Uncertain Significance.

Ambry Genetics
Classification: Uncertain significance for Cardiovascular phenotype. Last evaluated: 2020-11-30. Review status: criteria provided, single submitter. Criteria: Ambry Variant Classification Scheme 2023. Collection method: clinical testing. Allele origin: germline.
Comment: The p.A343V variant (also known as c.1028C>T), located in coding exon 8 of the NEXN gene, results from a C to T substitution at nucleotide position 1028. The alanine at codon 343 is replaced by valine, an amino acid with similar properties. This amino acid position is highly conserved in available vertebrate species. In addition, the in silico prediction for this alteration is inconclusive. Since supporting evidence is limited at this time, the clinical significance of this alteration remains unclear.

GeneDx
Classification: Uncertain significance. Last evaluated: 2016-05-19. Review status: criteria provided, single submitter. Criteria: GeneDx Variant Classification (06012015). Collection method: clinical testing. Allele origin: germline. Affected: yes.
Comment: The Ala343Val variant in the NEXN gene has not been reported as a disease-causing mutation or as a benign polymorphism to our knowledge. Although Ala343Val results in a conservative amino acid substitution of one neutral, non-polar amino acid for another, this substitution occurs at a position that is conserved across species. The Ala343Val variant was not observed in approximately 6000 individuals of European and African American ancestry in the NHLBI Exome Sequencing Project, indicating it is not a common benign variant in these populations. However, in silico analysis predicts Ala343Val is benign to the protein structure/function. In addition, mutations in nearby residues have not been reported, indicating this region of the protein may be tolerant of change. With the clinical and molecular information available at this time, we cannot definitively determine if Ala343Val is a disease-causing mutation or a rare benign variant.